The following is an entry in ClinVar:

ClinVar aggregate classification (germline): Likely pathogenic (1 of 4 stars; one submission).

Conditions:
Myopathy, autophagic vacuolar, infantile-onset. Identifiers: MedGen C2931230, MONDO:0012286, OMIM 609500.

Submission:

Muscle and Diseases Team, Institut de Génétique et Biologie Moléculaire et Cellulaire
Classification: Likely pathogenic for Myopathy, autophagic vacuolar, infantile-onset. Last evaluated: 2024-03-01. Review status: criteria provided, single submitter. Criteria: ACMG Guidelines, 2015. Collection method: research. Allele origin: unknown. Affected: yes. Observed: 1 variant allele.
Comment: PM1+PM2+PP1+PP3+PP5

Literature cited by the submitters: DOI 10.1186/s13073-024-01353-0.

NM_001382567.1(STIM1):c.216C>A (p.His72Gln)

Gene: STIM1 (stromal interaction molecule 1; plus strand). Cytogenetic location: 11p15.4.
Variant type: single nucleotide variant.
Coding change: c.216C>A on transcript NM_001382567.1 (MANE Select); coding-DNA position 216, C replaced by A.
Protein change: p.His72Gln; replaces histidine 72 with glutamine.
Molecular consequence: missense variant. On other transcripts: 5 prime UTR variant (8), non-coding transcript variant (3), intron variant (4).
Genome position (GRCh38, 1-based): chr11:3,967,628, C>A. VCF-style: chr11-3967628-C-A. GRCh37 (hg19) VCF-style: chr11-3988858-C-A.
Other names: c.216C>A, p.His72Gln (NM_001277961.3, NM_001277962.2, NM_001382568.1 and 3 more transcripts); c.-7C>A (NM_001382566.1, NM_001382573.1, NM_001382574.1 and 5 more transcripts); c.-219-56245C>A (NM_001382580.1, NM_001382581.1); c.136-56245C>A (NM_001382569.1); c.-98-56245C>A (NM_001382571.1).
Identifiers: ClinVar variation 3233243 (VCV003233243.2), dbSNP rs397515436.